The following is an entry in ClinVar:

NM_017947.4(MOCOS):c.2460T>C (p.Thr820=)

Gene: MOCOS (molybdenum cofactor sulfurase; plus strand). Cytogenetic location: 18q12.2.
Variant type: single nucleotide variant.
Coding change: c.2460T>C on transcript NM_017947.4 (MANE Select); coding-DNA position 2460, T replaced by C.
Protein change: p.Thr820=; no amino-acid change (threonine 820 retained).
Molecular consequence: synonymous variant.
Genome position (GRCh38, 1-based): chr18:36,266,799, T>C. VCF-style: chr18-36266799-T-C. GRCh37 (hg19) VCF-style: chr18-33846762-T-C.
Identifiers: ClinVar variation 4982932 (VCV004982932.1).

ClinVar aggregate classification (germline): Likely benign (1 of 4 stars; one submission).

Conditions:
MOCOS-related disorder. Also called: MOCOS-related condition.

gnomAD v4.1: 17 of 1,614,088 alleles (0.0011%); highest among the groups gnomAD compares: Non-Finnish European, 0.0014%; no homozygotes.

Submission:

PreventionGenetics, part of Exact Sciences
Classification: Likely benign for MOCOS-related condition. Last evaluated: 2024-12-11. Review status: criteria provided, single submitter. Criteria: ACMG Guidelines, 2015. Collection method: clinical testing. Allele origin: germline.
Comment: This variant is classified as likely benign based on ACMG/AMP sequence variant interpretation guidelines (Richards et al. 2015 PMID: 25741868, with internal and published modifications).